The following is an entry in ClinVar:

ClinVar aggregate classification (germline): Uncertain significance (1 of 4 stars; one submission).

gnomAD v4.1: 1 of 1,613,924 alleles (0.000062%); highest among the groups gnomAD compares: Non-Finnish European, 0.000085%; no homozygotes.

Submission:

Labcorp Genetics (formerly Invitae), Labcorp
Classification: Uncertain significance. Last evaluated: 2024-10-03. Review status: criteria provided, single submitter. Criteria: Invitae Variant Classification Sherloc (09022015). Collection method: clinical testing. Allele origin: germline.
Comment: This sequence change replaces lysine, which is basic and polar, with arginine, which is basic and polar, at codon 832 of the KANK2 protein (p.Lys832Arg). This variant is not present in population databases (gnomAD no frequency). This variant has not been reported in the literature in individuals affected with KANK2-related conditions. An algorithm developed to predict the effect of missense changes on protein structure and function (PolyPhen-2) suggests that this variant is likely to be tolerated. In summary, the available evidence is currently insufficient to determine the role of this variant in disease. Therefore, it has been classified as a Variant of Uncertain Significance.

NM_001136191.3(KANK2):c.2495A>G (p.Lys832Arg)

Gene: KANK2 (KN motif and ankyrin repeat domains 2; minus strand). Cytogenetic location: 19p13.2.
Variant type: single nucleotide variant.
Coding change: c.2495A>G on transcript NM_001136191.3 (MANE Select); coding-DNA position 2495, A replaced by G.
Protein change: p.Lys832Arg; replaces lysine 832 with arginine.
Molecular consequence: missense variant.
Genome position (GRCh38, 1-based): chr19:11,169,884, T>C on the plus strand (A>G on the coding strand, the complement: KANK2 is on the minus strand). VCF-style: chr19-11169884-T-C. GRCh37 (hg19) VCF-style: chr19-11280560-T-C.
Other names: c.2495A>G, p.Lys832Arg (NM_001379558.1, NM_001379559.1, NM_001379560.1 and 7 more transcripts); c.2519A>G, p.Lys840Arg (NM_015493.7, NM_001379548.1, NM_001379549.1 and 5 more transcripts); short protein forms K832R, K840R.
Identifiers: ClinVar variation 3620800 (VCV003620800.2).